The following is an entry in ClinVar:

ClinVar aggregate classification (germline): Uncertain significance (1 of 4 stars; one submission).

Conditions:
Cardiovascular phenotype. Identifiers: MedGen CN230736.

Submission:

Ambry Genetics
Classification: Uncertain significance for Cardiovascular phenotype. Last evaluated: 2021-09-07. Review status: criteria provided, single submitter. Criteria: Ambry Variant Classification Scheme 2023. Collection method: clinical testing. Allele origin: germline.
Comment: The p.A111D variant (also known as c.332C>A), located in coding exon 3 of the LIPA gene, results from a C to A substitution at nucleotide position 332. The alanine at codon 111 is replaced by aspartic acid, an amino acid with dissimilar properties. This amino acid position is conserved. In addition, the in silico prediction for this alteration is inconclusive. Since supporting evidence is limited at this time, the clinical significance of this alteration remains unclear.

NM_000235.4(LIPA):c.332C>A (p.Ala111Asp)

Gene: LIPA (lipase A, lysosomal acid type; minus strand). Cytogenetic location: 10q23.31.
Variant type: single nucleotide variant.
Coding change: c.332C>A on transcript NM_000235.4 (MANE Select); coding-DNA position 332, C replaced by A.
Protein change: p.Ala111Asp; replaces alanine 111 with aspartic acid.
Molecular consequence: missense variant. On other transcripts: 5 prime UTR variant (1).
Genome position (GRCh38, 1-based): chr10:89,228,296, G>T on the plus strand (C>A on the coding strand, the complement: LIPA is on the minus strand). VCF-style: chr10-89228296-G-T. GRCh37 (hg19) VCF-style: chr10-90988053-G-T.
Other names: c.332C>A, p.Ala111Asp (NM_001127605.3); c.-17C>A (NM_001288979.2); short protein forms A111D.
Identifiers: ClinVar variation 1730285 (VCV001730285.2), dbSNP rs2495595655, ClinGen allele CA377517938.
Genomic context (GRCh38, chr10:89,228,296, plus strand): 5'-GTCTTATGTTTCCGAGACCAGGTATTTCCTCTGCTGTTGCCCATCCACACGTCAAAACCA[G>T]CATCAGCAAGAATGAAGCCCAGGCTGCTGTTGGCAAGGTTTGTGACCCAGTTACTAGAAT-3'
Protein context (NP_000226.2, residues 101-121): NSSLGFILAD[Ala111Asp]GFDVWMGNSR